The following is an entry in ClinVar:

ClinVar aggregate classification (germline): Likely benign (0 of 4 stars; one submission).

Conditions:
BBS5-related disorder. Also called: BBS5-related condition.

gnomAD v4.1: 4 of 1,600,722 alleles (0.00025%); highest among the groups gnomAD compares: African/African-American, 0.0054%; no homozygotes.

Submission:

PreventionGenetics, part of Exact Sciences
Classification: Likely benign for BBS5-related condition. Last evaluated: 2021-10-05. Review status: no assertion criteria provided. Collection method: clinical testing. Allele origin: germline.
Comment: This variant is classified as likely benign based on ACMG/AMP sequence variant interpretation guidelines (Richards et al. 2015 PMID: 25741868, with internal and published modifications).

NM_152384.3(BBS5):c.*1T>A

Gene: BBS5 (Bardet-Biedl syndrome 5; plus strand). Cytogenetic location: 2q31.1.
Variant type: single nucleotide variant.
Coding change: c.*1T>A on transcript NM_152384.3 (MANE Select); 1 bases downstream of the stop codon, T replaced by A.
Molecular consequence: 3 prime UTR variant.
Genome position (GRCh38, 1-based): chr2:169,504,583, T>A. VCF-style: chr2-169504583-T-A. GRCh37 (hg19) VCF-style: chr2-170361093-T-A.
Identifiers: ClinVar variation 3355889 (VCV003355889.1).